The following is an entry in ClinVar:

NM_032776.3(JMJD1C):c.678+5A>G

Gene: JMJD1C (jumonji domain containing 1C; minus strand). Cytogenetic location: 10q21.3.
Variant type: single nucleotide variant.
Coding change: c.678+5A>G on transcript NM_032776.3 (MANE Select); 5 bases into the intron after coding-DNA position 678, A replaced by G.
Molecular consequence: intron variant.
Genome position (GRCh38, 1-based): chr10:63,217,202, T>C on the plus strand (A>G on the coding strand, the complement: JMJD1C is on the minus strand). VCF-style: chr10-63217202-T-C. GRCh37 (hg19) VCF-style: chr10-64976962-T-C.
Other names: c.21+5A>G (NM_001322258.2, NM_001322254.2); c.132+5A>G (NM_001318154.2, NM_001282948.2); c.564+5A>G (NM_001322252.2); c.-191+5A>G (NM_001318153.2).
Identifiers: ClinVar variation 857195 (VCV000857195.9), dbSNP rs1350682924, ClinGen allele CA667309045.

ClinVar aggregate classification (germline): Uncertain significance (1 of 4 stars; one submission).

Conditions:
Early Myoclonic Encephalopathy. Identifiers: MedGen C0270855.

Allele frequency attached by ClinVar (database versions not stated): TOPMed 0.00001; gnomAD exomes below 0.00001.
gnomAD v4.1: 3 of 1,605,394 alleles (0.00019%); highest among the groups gnomAD compares: African/African-American, 0.0013%; no homozygotes.

Submission:

Labcorp Genetics (formerly Invitae), Labcorp
Classification: Uncertain significance for Early Myoclonic Encephalopathy. Last evaluated: 2020-02-10. Review status: criteria provided, single submitter. Criteria: Invitae Variant Classification Sherloc (09022015). Collection method: clinical testing. Allele origin: germline.
Comment: In summary, the available evidence is currently insufficient to determine the role of this variant in disease. Therefore, it has been classified as a Variant of Uncertain Significance. Nucleotide substitutions within the consensus splice site are a relatively common cause of aberrant splicing (PMID: 17576681, 9536098). Algorithms developed to predict the effect of sequence changes on RNA splicing suggest that this variant may create or strengthen a splice site, but this prediction has not been confirmed by published transcriptional studies. This variant has not been reported in the literature in individuals with JMJD1C-related conditions. This variant is not present in population databases (ExAC no frequency). This sequence change falls in intron 5 of the JMJD1C gene. It does not directly change the encoded amino acid sequence of the JMJD1C protein, but it affects a nucleotide within the consensus splice site of the intron.

Literature cited by the submitters: PubMed 17576681; PubMed 9536098.